The following is an entry in ClinVar:

ClinVar aggregate classification (germline): Uncertain significance (1 of 4 stars; one submission).

Conditions:
Primary dilated cardiomyopathy (DCM). Also called: Dilated Cardiomyopathy. Identifiers: Orphanet 217604, MedGen C0007193, MeSH D002311, MONDO:0005021, HP:0001644. Inheritance: Various modes of inheritance.

Allele frequency attached by ClinVar (database versions not stated): TOPMed 0.00001.
gnomAD v4.1: 39 of 1,613,246 alleles (0.0024%); highest among the groups gnomAD compares: Admixed American, 0.005%; no homozygotes.

Submission:

Labcorp Genetics (formerly Invitae), Labcorp
Classification: Uncertain significance for Primary dilated cardiomyopathy. Last evaluated: 2025-04-03. Review status: criteria provided, single submitter. Criteria: Invitae Variant Classification Sherloc (09022015). Collection method: clinical testing. Allele origin: germline.
Comment: This sequence change replaces valine, which is neutral and non-polar, with methionine, which is neutral and non-polar, at codon 187 of the FHL2 protein (p.Val187Met). This variant is present in population databases (rs570903247, gnomAD 0.02%). This variant has not been reported in the literature in individuals affected with FHL2-related conditions. ClinVar contains an entry for this variant (Variation ID: 1040905). Invitae Evidence Modeling of protein sequence and biophysical properties (such as structural, functional, and spatial information, amino acid conservation, physicochemical variation, residue mobility, and thermodynamic stability) indicates that this missense variant is not expected to disrupt FHL2 protein function with a negative predictive value of 80%. In summary, the available evidence is currently insufficient to determine the role of this variant in disease. Therefore, it has been classified as a Variant of Uncertain Significance.

NM_001318895.3(FHL2):c.559G>A (p.Val187Met)

Genes: FHL2 (four and a half LIM domains 2; minus strand), C2orf49 (chromosome 2 open reading frame 49; plus strand). Cytogenetic location: 2q12.2.
Variant type: single nucleotide variant.
Coding change: c.559G>A on transcript NM_001318895.3 (MANE Select); coding-DNA position 559, G replaced by A.
Protein change: p.Val187Met; replaces valine 187 with methionine.
Molecular consequence: missense variant.
Genome position (GRCh38, 1-based): chr2:105,363,414, C>T on the plus strand (G>A on the coding strand, the complement: FHL2 is on the minus strand). VCF-style: chr2-105363414-C-T. GRCh37 (hg19) VCF-style: chr2-105979871-C-T.
Other names: c.559G>A, p.Val187Met (NM_001039492.3, NM_001318894.1, NM_001318896.2 and 4 more transcripts); c.217G>A, p.Val73Met (NM_001318897.2, NM_001318898.2); c.235G>A, p.Val79Met (NM_001318899.2); short protein forms V79M, V187M, V73M.
Identifiers: ClinVar variation 1040905 (VCV001040905.5), dbSNP rs570903247, ClinGen allele CA1814706.
Genomic context (GRCh38, chr2:105,363,414, plus strand): 5'-CAAAGTCATCGCGAGCTGTGAAGCGCTGCCCAGACAGCTGCTTCCTGCAGGCGGTGCACA[C>T]GAAGCACTCCTTGTGCCAGGGCTGCTCCCGGTAAGTGACCCCTCCCGTGGTGATGGGCTG-3'
Protein context (NP_001305824.1, residues 177-197): REQPWHKECF[Val187Met]CTACRKQLSG